The following is an entry in ClinVar:

NM_000069.3(CACNA1S):c.5370+5G>A

Gene: CACNA1S (calcium voltage-gated channel subunit alpha1 S; minus strand). Cytogenetic location: 1q32.1.
Variant type: single nucleotide variant.
Coding change: c.5370+5G>A on transcript NM_000069.3 (MANE Select); 5 bases into the intron after coding-DNA position 5370, G replaced by A.
Molecular consequence: intron variant.
Genome position (GRCh38, 1-based): chr1:201,040,226, C>T on the plus strand (G>A on the coding strand, the complement: CACNA1S is on the minus strand). VCF-style: chr1-201040226-C-T. GRCh37 (hg19) VCF-style: chr1-201009354-C-T.
Identifiers: ClinVar variation 1507307 (VCV001507307.6), dbSNP rs762200667, ClinGen allele CA35989470.

ClinVar aggregate classification (germline): Uncertain significance (1 of 4 stars; one submission).

Conditions:
Hypokalemic periodic paralysis, type 1. Also called: HypoPP; Hypokalemic Periodic Paralysis Type 1 (AD). Identifiers: Orphanet 681, MedGen C3714580, MONDO:0042979, OMIM 170400.
Malignant hyperthermia, susceptibility to, 5 (MHS5). Also called: CACNA1S-Related Malignant Hyperthermia Susceptibility. Identifiers: Orphanet 423, MedGen C1866077, MONDO:0011163, OMIM 601887.

Submission:

Labcorp Genetics (formerly Invitae), Labcorp
Classification: Uncertain significance for Hypokalemic periodic paralysis, type 1; Malignant hyperthermia, susceptibility to, 5. Last evaluated: 2025-10-03. Review status: criteria provided, single submitter. Criteria: Invitae Variant Classification Sherloc (09022015). Collection method: clinical testing. Allele origin: germline.
Comment: This sequence change falls in intron 43 of the CACNA1S gene. It does not directly change the encoded amino acid sequence of the CACNA1S protein. It affects a nucleotide within the consensus splice site. This variant is not present in population databases (gnomAD no frequency). This variant has not been reported in the literature in individuals affected with CACNA1S-related conditions. ClinVar contains an entry for this variant (Variation ID: 1507307). Variants that disrupt the consensus splice site are a relatively common cause of aberrant splicing (PMID: 17576681, 9536098). Algorithms developed to predict the effect of sequence changes on RNA splicing suggest that this variant may disrupt the consensus splice site. In summary, the available evidence is currently insufficient to determine the role of this variant in disease. Therefore, it has been classified as a Variant of Uncertain Significance.

Literature cited by the submitters: PubMed 17576681; PubMed 9536098.